The following is an entry in ClinVar:

ClinVar aggregate classification (germline): Benign/Likely benign. Review status: criteria provided, multiple submitters, no conflicts (2 of 4 stars). 5 submissions from 5 submitters: Benign (1); Likely benign (4). Last evaluated 2025-09-25.

Conditions:
Hereditary nonpolyposis colorectal neoplasms. Identifiers: MedGen C0009405, MeSH D003123.
Hereditary cancer-predisposing syndrome. Also called: Tumor predisposition; Neoplastic Syndromes, Hereditary; Hereditary neoplastic syndrome; Hereditary Cancer Syndrome. Identifiers: Orphanet 140162, MedGen C0027672, MeSH D009386, MONDO:0015356.
Lynch syndrome 5 (LYNCH5). Also called: Colorectal cancer, hereditary nonpolyposis, type 5; Hereditary non-polyposis colorectal cancer, type 5. Identifiers: Orphanet 144, MedGen C1833477, MONDO:0013710, OMIM 614350. Disease mechanism: loss of function.
Lynch syndrome. Identifiers: Orphanet 144, MedGen C4552100, MONDO:0005835. Disease mechanism: loss of function.

Allele frequency attached by ClinVar (database versions not stated): TOPMed 0.00001.

Submissions (5):

Labcorp Genetics (formerly Invitae), Labcorp
Classification: Likely benign for Hereditary nonpolyposis colorectal neoplasms. Last evaluated: 2025-09-25. Review status: criteria provided, single submitter. Criteria: Invitae Variant Classification Sherloc (09022015). Collection method: clinical testing. Allele origin: germline.

Myriad Genetics, Inc.
Classification: Benign for Lynch syndrome 5. Last evaluated: 2024-12-23. Review status: criteria provided, single submitter. Criteria: Myriad Autosomal Dominant, Autosomal Recessive and X-Linked Classification Criteria (2023). Collection method: clinical testing. Allele origin: unknown.
Comment: This variant is considered benign. This variant is a silent/synonymous amino acid change and it is not expected to impact splicing.

All of Us Research Program, National Institutes of Health
Classification: Likely benign for Lynch syndrome. Last evaluated: 2024-03-24. Review status: criteria provided, single submitter. Criteria: ACMG Guidelines, 2015. Collection method: clinical testing. Allele origin: germline. Inheritance: Autosomal dominant inheritance. Observed: 1 variant allele, 1 heterozygote.
Comment: This study involves interpretation of variants in research participants for the purpose of population health screening. Participant phenotype was not available at the time of variant classification. Additional details can be found in publication PMID: 35346344, PMCID: PMC8962531

Ambry Genetics
Classification: Likely benign for Hereditary cancer-predisposing syndrome. Last evaluated: 2018-05-22. Review status: criteria provided, single submitter. Criteria: Ambry Variant Classification Scheme 2023. Collection method: clinical testing. Allele origin: germline.

GeneDx
Classification: Likely benign. Last evaluated: 2017-05-25. Review status: criteria provided, single submitter. Criteria: GeneDx Variant Classification (06012015). Collection method: clinical testing. Allele origin: germline. Affected: yes.
Comment: This variant is considered likely benign or benign based on one or more of the following criteria: it is a conservative change, it occurs at a poorly conserved position in the protein, it is predicted to be benign by multiple in silico algorithms, and/or has population frequency not consistent with disease.

NM_000179.3(MSH6):c.1272C>T (p.Val424=)

Gene: MSH6 (mutS homolog 6; plus strand). Cytogenetic location: 2p16.3.
Variant type: single nucleotide variant.
Coding change: c.1272C>T on transcript NM_000179.3 (MANE Select); coding-DNA position 1272, C replaced by T.
Protein change: p.Val424=; no amino-acid change (valine 424 retained).
Molecular consequence: synonymous variant.
Genome position (GRCh38, 1-based): chr2:47,799,255, C>T. VCF-style: chr2-47799255-C-T. GRCh37 (hg19) VCF-style: chr2-48026394-C-T.
Other names: c.882C>T, p.Val294= (NM_001281492.2); c.366C>T, p.Val122= (NM_001281493.2, NM_001281494.2).
Identifiers: ClinVar variation 416140 (VCV000416140.14), dbSNP rs63751452, ClinGen allele CA16610905.